The following is an entry in ClinVar:

NM_002778.4(PSAP):c.555_556dup (p.Arg186fs)

Gene: PSAP (prosaposin; minus strand). Cytogenetic location: 10q22.1.
Variant type: Duplication.
Coding change: c.555_556dup on transcript NM_002778.4 (MANE Select); coding-DNA positions 555 to 556, 2 bases duplicated (CC; older notation c.555_556dupCC).
Protein change: p.Arg186fs; shifts the reading frame from arginine 186.
Molecular consequence: frameshift variant.
Genome position (GRCh38, 1-based): chr10:71,828,897-71,828,898, GG duplicated on the plus strand (CC on the coding strand, the reverse complement: PSAP is on the minus strand); duplicating any 2 consecutive bases within chr10:71,828,897-71,828,901 gives the same sequence; the c. name uses the placement nearest the transcript's 3' end. VCF-style (leftmost placement, unchanged base first): chr10-71828896-C-CGG. GRCh37 (hg19) VCF-style: chr10-73588653-C-CGG.
Other names: c.555_556dup, p.Arg186fs (NM_001042465.3, NM_001042466.3); short protein forms R186fs.
Identifiers: ClinVar variation 2007832 (VCV002007832.4), dbSNP rs2494525612, ClinGen allele CA2580081862.
Genomic context (GRCh38, chr10:71,828,896, plus strand): 5'-CAACCAAAAATGGGTCCTCAGTGGCCAGCCCGTTGTCTTACCTTTGGCTGGGGCTTGCTG[C>CGG]GGGGGCCGTCCTGAGGGTAGAGGAGGAGAGGGATGTTGGCCATGAAGGGGGCCACCACCT-3'

ClinVar aggregate classification (germline): Pathogenic (1 of 4 stars; one submission).

Conditions:
Sphingolipid activator protein 1 deficiency. Also called: Saposin B Deficiency; METACHROMATIC LEUKODYSTROPHY DUE TO CEREBROSIDE SULFATASE ACTIVATOR DEFICIENCY; Metachromatic leukodystrophy due to saposin B deficiency. Identifiers: Orphanet 512, MedGen C0268262, MONDO:0009590, OMIM 249900.

Submission:

Labcorp Genetics (formerly Invitae), Labcorp
Classification: Pathogenic for Sphingolipid activator protein 1 deficiency. Last evaluated: 2022-06-18. Review status: criteria provided, single submitter. Criteria: Invitae Variant Classification Sherloc (09022015). Collection method: clinical testing. Allele origin: germline.
Comment: For these reasons, this variant has been classified as Pathogenic. This variant has not been reported in the literature in individuals affected with PSAP-related conditions. This variant is not present in population databases (gnomAD no frequency). This sequence change creates a premature translational stop signal (p.Arg186Profs*21) in the PSAP gene. It is expected to result in an absent or disrupted protein product. Loss-of-function variants in PSAP are known to be pathogenic (PMID: 8554069, 11309366, 17616409, 19267410, 30632081).

Literature cited by the submitters: PubMed 8554069; PubMed 11309366; PubMed 17616409; PubMed 19267410; PubMed 30632081.